The following is an entry in ClinVar:

ClinVar aggregate classification (germline): Benign. Review status: criteria provided, multiple submitters, no conflicts (2 of 4 stars). 3 submissions from 3 submitters: Benign (2). 1 of the submissions does not count toward it. Last evaluated 2019-06-13.

Conditions:
GSTZ1-related disorder. Also called: GSTZ1-related condition.

Allele frequency attached by ClinVar (database versions not stated): TOPMed 0.30424; gnomAD exomes 0.30658 and 0.31996; 1000 Genomes Project 30x 0.30668; 1000 Genomes Project 0.31150; ESP Exome Variant Server 0.31624; gnomAD 0.31626 and 0.31725; ExAC 0.37479.

Submissions (3):

GeneDx
Classification: Benign. Last evaluated: 2019-06-13. Review status: criteria provided, single submitter. Criteria: GeneDx Variant Classification Process June 2021. Collection method: clinical testing. Allele origin: germline. Affected: yes.
Comment: This variant is associated with the following publications: (PMID: 22374552)

Breakthrough Genomics
Classification: Benign. Review status: criteria provided, single submitter. Criteria: ACMG Guidelines, 2015. Collection method: not provided. Allele origin: germline. Inheritance: Autosomal recessive inheritance. Affected: yes.

PreventionGenetics, part of Exact Sciences
Classification: Benign for GSTZ1-related condition. Last evaluated: 2020-03-16. Review status: no assertion criteria provided. Collection method: clinical testing. Allele origin: germline. Not counted in ClinVar's aggregate classification.
Comment: This variant is classified as benign based on ACMG/AMP sequence variant interpretation guidelines (Richards et al. 2015 PMID: 25741868, with internal and published modifications).

NM_145870.3(GSTZ1):c.94G>A (p.Glu32Lys)

Gene: GSTZ1 (glutathione S-transferase zeta 1; plus strand). Cytogenetic location: 14q24.3.
Variant type: single nucleotide variant.
Coding change: c.94G>A on transcript NM_145870.3 (MANE Select); coding-DNA position 94, G replaced by A.
Protein change: p.Glu32Lys; replaces glutamic acid 32 with lysine.
Molecular consequence: missense variant. On other transcripts: 5 prime UTR variant (1).
Genome position (GRCh38, 1-based): chr14:77,326,864, G>A. VCF-style: chr14-77326864-G-A. GRCh37 (hg19) VCF-style: chr14-77793207-G-A.
Other names: c.-72G>A (NM_001312660.2); c.97G>A, p.Glu33Lys (NM_001363703.2); c.94G>A, p.Glu32Lys (NM_145871.3); short protein forms E32K, E33K.
Identifiers: ClinVar variation 1251643 (VCV001251643.5), dbSNP rs7975, ClinGen allele CA7286436.